The following is an entry in ClinVar:

ClinVar aggregate classification (germline): Benign/Likely benign. Review status: criteria provided, multiple submitters, no conflicts (2 of 4 stars). 9 submissions from 8 submitters: Benign (8); Likely benign (1). Last evaluated 2026-02-04.

Conditions:
Haim-Munk syndrome (HMS). Also called: COCHIN JEWISH DISORDER; KERATOSIS PALMOPLANTARIS WITH PERIODONTOPATHIA AND ONYCHOGRYPOSIS. Identifiers: Orphanet 2342, MedGen C1855627, MONDO:0009491, OMIM 245010.
Papillon-Lefèvre syndrome (PALS). Also called: Papillon-Lefevre Disease; KERATOSIS PALMOPLANTARIS WITH PERIODONTOPATHIA. Identifiers: Orphanet 678, MedGen C0030360, MONDO:0009490, OMIM 245000.
Periodontitis, aggressive. Identifiers: MedGen C0031106, MONDO:0980757.

Allele frequency attached by ClinVar (database versions not stated): ESP Exome Variant Server 0.04831; gnomAD exomes 0.04842 and 0.06274; TOPMed 0.05563; gnomAD 0.05691 and 0.05877; ExAC 0.06300; 1000 Genomes Project 30x 0.08354; 1000 Genomes Project 0.08566.
gnomAD v4.1: 79,386 of 1,613,914 alleles (4.9%); highest among the groups gnomAD compares: East Asian, 13%; 2,639 homozygotes.

Submissions (9):

Labcorp Genetics (formerly Invitae), Labcorp
Classification: Benign for Haim-Munk syndrome; Periodontitis, aggressive; Papillon-Lefèvre syndrome. Last evaluated: 2026-02-04. Review status: criteria provided, single submitter. Criteria: Invitae Variant Classification Sherloc (09022015). Collection method: clinical testing. Allele origin: germline.

Mayo Clinic Laboratories, Mayo Clinic
Classification: Benign. Last evaluated: 2025-08-23. Review status: criteria provided, single submitter. Criteria: ACMG Guidelines, 2015. Collection method: clinical testing. Allele origin: germline. Observed: 3 variant alleles.

Blueprint Genetics
Classification: Likely benign. Last evaluated: 2024-11-27. Review status: criteria provided, single submitter. Criteria: ACMG Guidelines, 2015. Collection method: clinical testing. Allele origin: germline.

Illumina Laboratory Services, Illumina
Classification: Benign for Haim-Munk syndrome. Last evaluated: 2018-01-13. Review status: criteria provided, single submitter. Criteria: ICSL Variant Classification Criteria 13 December 2019. Collection method: clinical testing. Allele origin: germline.
Comment: This variant was observed in the ICSL laboratory as part of a predisposition screen in an ostensibly healthy population. It had not been previously curated by ICSL or reported in the Human Gene Mutation Database (HGMD: prior to June 1st, 2018), and was therefore a candidate for classification through an automated scoring system. Utilizing variant allele frequency, disease prevalence and penetrance estimates, and inheritance mode, an automated score was calculated to assess if this variant is too frequent to cause the disease. Based on the score and internal cut-off values, a variant classified as benign is not then subjected to further curation. The score for this variant resulted in a classification of benign for this disease.

Illumina Laboratory Services, Illumina
Classification: Benign for Papillon-Lefèvre syndrome. Last evaluated: 2018-01-13. Review status: criteria provided, single submitter. Criteria: ICSL Variant Classification Criteria 13 December 2019. Collection method: clinical testing. Allele origin: germline.
Comment: the same text as in the submission from Illumina Laboratory Services, Illumina above.

GeneDx
Classification: Benign. Last evaluated: 2017-09-05. Review status: criteria provided, single submitter. Criteria: GeneDx Variant Classification (06012015). Collection method: clinical testing. Allele origin: germline. Affected: yes.
Comment: This variant is considered likely benign or benign based on one or more of the following criteria: it is a conservative change, it occurs at a poorly conserved position in the protein, it is predicted to be benign by multiple in silico algorithms, and/or has population frequency not consistent with disease.

Laboratory for Molecular Medicine, Mass General Brigham Personalized Medicine
Classification: Benign. Last evaluated: 2016-03-28. Review status: criteria provided, single submitter. Criteria: LMM Criteria. Collection method: clinical testing. Allele origin: germline.
Comment: Variant identified in a genome or exome case(s) and assessed due to predicted null impact of the variant or pathogenic assertions in the literature or databases. Disclaimer: This variant has not undergone full assessment. The following are preliminary notes: Frequency

Breakthrough Genomics
Classification: Benign. Review status: criteria provided, single submitter. Criteria: ACMG Guidelines, 2015. Collection method: not provided. Allele origin: germline. Inheritance: Autosomal recessive inheritance. Affected: yes.

PreventionGenetics, part of Exact Sciences
Classification: Benign. Review status: criteria provided, single submitter. Criteria: ACMG Guidelines, 2015. Collection method: clinical testing. Allele origin: germline.

NM_001814.6(CTSC):c.1173T>G (p.Thr391=)

Gene: CTSC (cathepsin C; minus strand). Cytogenetic location: 11q14.2.
Variant type: single nucleotide variant.
Coding change: c.1173T>G on transcript NM_001814.6 (MANE Select); coding-DNA position 1173, T replaced by G.
Protein change: p.Thr391=; no amino-acid change (threonine 391 retained).
Molecular consequence: synonymous variant.
Genome position (GRCh38, 1-based): chr11:88,294,225, A>C on the plus strand (T>G on the coding strand, the complement: CTSC is on the minus strand). VCF-style: chr11-88294225-A-C. GRCh37 (hg19) VCF-style: chr11-88027393-A-C.
Other names: p.Thr391=.
Identifiers: ClinVar variation 258189 (VCV000258189.20), dbSNP rs17594, ClinGen allele CA6219763.